The following is an entry in ClinVar:

ClinVar aggregate classification (germline): Likely benign. Review status: criteria provided, multiple submitters, no conflicts (2 of 4 stars). 2 submissions from 2 submitters: Likely benign (2). Last evaluated 2024-03-01.

Conditions:
Familial Mediterranean fever (FMF). Also called: POLYSEROSITIS, FAMILIAL PAROXYSMAL; POLYSEROSITIS, RECURRENT; Periodic peritonitis; Benign paroxysmal peritonitis. Identifiers: Orphanet 342, MedGen C0031069, MONDO:0018088, OMIM 249100. Disease mechanism: gain of function.

Allele frequency attached by ClinVar (database versions not stated): ExAC 0.00002; TOPMed below 0.00001.
gnomAD v4.1: 2 of 1,606,732 alleles (0.00012%); highest among the groups gnomAD compares: East Asian, 0.0045%; no homozygotes.

Submissions (2):

Labcorp Genetics (formerly Invitae), Labcorp
Classification: Likely benign for Familial Mediterranean fever. Last evaluated: 2024-03-01. Review status: criteria provided, single submitter. Criteria: Invitae Variant Classification Sherloc (09022015). Collection method: clinical testing. Allele origin: germline.

GeneDx
Classification: Likely benign. Last evaluated: 2017-11-20. Review status: criteria provided, single submitter. Criteria: GeneDx Variant Classification (06012015). Collection method: clinical testing. Allele origin: germline. Affected: yes.
Comment: This variant is considered likely benign or benign based on one or more of the following criteria: it is a conservative change, it occurs at a poorly conserved position in the protein, it is predicted to be benign by multiple in silico algorithms, and/or has population frequency not consistent with disease.

NM_000243.3(MEFV):c.1260+18G>A

Gene: MEFV (MEFV innate immunity regulator, pyrin; minus strand). Cytogenetic location: 16p13.3.
Variant type: single nucleotide variant.
Coding change: c.1260+18G>A on transcript NM_000243.3 (MANE Select); 18 bases into the intron after coding-DNA position 1260, G replaced by A.
Molecular consequence: intron variant.
Genome position (GRCh38, 1-based): chr16:3,249,413, C>T on the plus strand (G>A on the coding strand, the complement: MEFV is on the minus strand). VCF-style: chr16-3249413-C-T. GRCh37 (hg19) VCF-style: chr16-3299413-C-T.
Other names: c.627+18G>A (NM_001198536.2).
Identifiers: ClinVar variation 513481 (VCV000513481.4), dbSNP rs104895136, ClinGen allele CA7860205.